The following is an entry in ClinVar:

NM_002691.4(POLD1):c.773C>G (p.Thr258Arg)

Gene: POLD1 (DNA polymerase delta 1, catalytic subunit; plus strand). Cytogenetic location: 19q13.33.
Variant type: single nucleotide variant.
Coding change: c.773C>G on transcript NM_002691.4 (MANE Select); coding-DNA position 773, C replaced by G.
Protein change: p.Thr258Arg; replaces threonine 258 with arginine.
Molecular consequence: missense variant. On other transcripts: non-coding transcript variant (1).
Genome position (GRCh38, 1-based): chr19:50,402,468, C>G. VCF-style: chr19-50402468-C-G. GRCh37 (hg19) VCF-style: chr19-50905725-C-G.
Other names: c.773C>G, p.Thr258Arg (NM_001256849.1, NM_001308632.1); c.773C>G (NM_002691.2); short protein forms T258R.
Identifiers: ClinVar variation 1038160 (VCV001038160.9), dbSNP rs76131127, ClinGen allele CA406974829.
Genomic context (GRCh38, chr19:50,402,468, plus strand): 5'-CCCACCCTCGGGCAGCCCCTGTCCACTGACCCCCAGCCCCCTCCAGGTTCATGGTGGACA[C>G]GGACATCGTCGGCTGCAACTGGCTGGAGCTCCCAGCTGGGAAATACGCCCTGAGGCTGAA-3'
Protein context (NP_002682.2, residues 248-268): VDFEIRFMVD[Thr258Arg]DIVGCNWLEL

ClinVar aggregate classification (germline): Uncertain significance. Review status: criteria provided, multiple submitters, no conflicts (2 of 4 stars). 2 submissions from 2 submitters: Uncertain significance (2). Last evaluated 2025-12-08.

Conditions:
POLD1-related polyposis and colorectal cancer syndrome (CRCS10). Also called: Colorectal cancer 10; COLORECTAL CANCER, SUSCEPTIBILITY TO, ON CHROMOSOME 19q; Colorectal cancer, susceptibility to, 10. Identifiers: Orphanet 220460, MedGen C2675481, MONDO:0012953, OMIM 612591.
Hereditary cancer-predisposing syndrome. Also called: Tumor predisposition; Hereditary Cancer Syndrome; Hereditary neoplastic syndrome; Neoplastic Syndromes, Hereditary. Identifiers: Orphanet 140162, MedGen C0027672, MeSH D009386, MONDO:0015356.

Submissions (2):

Labcorp Genetics (formerly Invitae), Labcorp
Classification: Uncertain significance for POLD1-related polyposis and colorectal cancer syndrome. Last evaluated: 2025-12-08. Review status: criteria provided, single submitter. Criteria: Invitae Variant Classification Sherloc (09022015). Collection method: clinical testing. Allele origin: germline.
Comment: This sequence change replaces threonine, which is neutral and polar, with arginine, which is basic and polar, at codon 258 of the POLD1 protein (p.Thr258Arg). This variant is not present in population databases (gnomAD no frequency). This variant has not been reported in the literature in individuals affected with POLD1-related conditions. ClinVar contains an entry for this variant (Variation ID: 1038160). Invitae Evidence Modeling of protein sequence and biophysical properties (such as structural, functional, and spatial information, amino acid conservation, physicochemical variation, residue mobility, and thermodynamic stability) indicates that this missense variant is not expected to disrupt POLD1 protein function with a negative predictive value of 80%. In summary, the available evidence is currently insufficient to determine the role of this variant in disease. Therefore, it has been classified as a Variant of Uncertain Significance.

Ambry Genetics
Classification: Uncertain significance for Hereditary cancer-predisposing syndrome. Last evaluated: 2025-06-27. Review status: criteria provided, single submitter. Criteria: Ambry Variant Classification Scheme 2023. Collection method: clinical testing. Allele origin: germline.
Comment: The p.T258R variant (also known as c.773C>G), located in coding exon 6 of the POLD1 gene, results from a C to G substitution at nucleotide position 773. The threonine at codon 258 is replaced by arginine, an amino acid with similar properties. This amino acid position is poorly conserved in available vertebrate species. In addition, this alteration is predicted to be tolerated by in silico analysis. Based on the available evidence, the clinical significance of this variant remains unclear.